The following is an entry in ClinVar:

NM_024334.3(TMEM43):c.719G>A (p.Arg240His)

Gene: TMEM43 (transmembrane protein 43; plus strand). Cytogenetic location: 3p25.1.
Variant type: single nucleotide variant.
Coding change: c.719G>A on transcript NM_024334.3 (MANE Select); coding-DNA position 719, G replaced by A.
Protein change: p.Arg240His; replaces arginine 240 with histidine.
Molecular consequence: missense variant.
Genome position (GRCh38, 1-based): chr3:14,135,171, G>A. VCF-style: chr3-14135171-G-A. GRCh37 (hg19) VCF-style: chr3-14176671-G-A.
Other names: short protein forms R240H.
Identifiers: ClinVar variation 1060893 (VCV001060893.12), dbSNP rs758817244, ClinGen allele CA055153.

ClinVar aggregate classification (germline): Uncertain significance. Review status: criteria provided, multiple submitters, no conflicts (2 of 4 stars). 3 submissions from 3 submitters: Uncertain significance (3). Last evaluated 2026-01-04.

Conditions:
Arrhythmogenic right ventricular dysplasia 5. Also called: Arrhythmogenic Right Ventricular Dysplasia/Cardiomyopathy 5; ARRHYTHMOGENIC RIGHT VENTRICULAR DYSPLASIA, FAMILIAL, 5. Identifiers: MedGen C1858379, MONDO:0011459, OMIM 604400.
Cardiomyopathy (CMYO). Also called: Cardiomyopathies. Identifiers: Orphanet 167848, MedGen C0878544, MONDO:0004994, HP:0001638. Inheritance: Various modes of inheritance.

Allele frequency attached by ClinVar (database versions not stated): gnomAD exomes 0.00002.
gnomAD v4.1: 17 of 1,612,342 alleles (0.0011%); highest among the groups gnomAD compares: East Asian, 0.0022%; no homozygotes.

Submissions (3):

Labcorp Genetics (formerly Invitae), Labcorp
Classification: Uncertain significance for Arrhythmogenic right ventricular dysplasia 5. Last evaluated: 2026-01-04. Review status: criteria provided, single submitter. Criteria: Invitae Variant Classification Sherloc (09022015). Collection method: clinical testing. Allele origin: germline.
Comment: This sequence change replaces arginine, which is basic and polar, with histidine, which is basic and polar, at codon 240 of the TMEM43 protein (p.Arg240His). This variant is present in population databases (rs758817244, gnomAD 0.005%). This variant has not been reported in the literature in individuals affected with TMEM43-related conditions. ClinVar contains an entry for this variant (Variation ID: 1060893). Invitae Evidence Modeling of protein sequence and biophysical properties (such as structural, functional, and spatial information, amino acid conservation, physicochemical variation, residue mobility, and thermodynamic stability) indicates that this missense variant is expected to disrupt TMEM43 protein function with a positive predictive value of 80%. In summary, the available evidence is currently insufficient to determine the role of this variant in disease. Therefore, it has been classified as a Variant of Uncertain Significance.

All of Us Research Program, National Institutes of Health
Classification: Uncertain significance for Arrhythmogenic right ventricular dysplasia 5. Last evaluated: 2024-03-05. Review status: criteria provided, single submitter. Criteria: ACMG Guidelines, 2015. Collection method: clinical testing. Allele origin: germline. Inheritance: Autosomal dominant inheritance. Observed: 5 variant alleles, 5 heterozygotes.
Comment: This missense variant replaces arginine with histidine at codon 240 of the TMEM43 protein. Computational prediction is inconclusive regarding the impact of this variant on protein structure and function (internally defined REVEL score threshold 0.5 < inconclusive < 0.7, PMID: 27666373). To our knowledge, functional studies have not been reported for this variant. This variant has not been reported in individuals affected with cardiovascular disorders in the literature. This variant has been identified in 7/281308 chromosomes in the general population by the Genome Aggregation Database (gnomAD). The available evidence is insufficient to determine the role of this variant in disease conclusively. Therefore, this variant is classified as a Variant of Uncertain Significance.

This study involves interpretation of variants in research participants for the purpose of population health screening. Participant phenotype was not available at the time of variant classification. Additional details can be found in publication PMID: 35346344, PMCID: PMC8962531

Color Diagnostics, LLC DBA Color Health
Classification: Uncertain significance for Cardiomyopathy. Last evaluated: 2023-05-01. Review status: criteria provided, single submitter. Criteria: ACMG Guidelines, 2015. Collection method: clinical testing. Allele origin: germline.
Comment: This missense variant replaces arginine with histidine at codon 240 of the TMEM43 protein. Computational prediction is inconclusive regarding the impact of this variant on protein structure and function (internally defined REVEL score threshold 0.5 < inconclusive < 0.7, PMID: 27666373). To our knowledge, functional studies have not been reported for this variant. This variant has not been reported in individuals affected with cardiovascular disorders in the literature. This variant has been identified in 7/281308 chromosomes in the general population by the Genome Aggregation Database (gnomAD). The available evidence is insufficient to determine the role of this variant in disease conclusively. Therefore, this variant is classified as a Variant of Uncertain Significance.